The following is an entry in ClinVar:

ClinVar aggregate classification (germline): Uncertain significance (1 of 4 stars; one submission).

gnomAD v4.1: 45 of 1,482,866 alleles (0.003%); highest among the groups gnomAD compares: Non-Finnish European, 0.0037%; no homozygotes.

Submission:

Labcorp Genetics (formerly Invitae), Labcorp
Classification: Uncertain significance. Last evaluated: 2025-11-24. Review status: criteria provided, single submitter. Criteria: Invitae Variant Classification Sherloc (09022015). Collection method: clinical testing. Allele origin: germline.
Comment: This sequence change affects codon 345 of the POLE2 mRNA. It is a 'silent' change, meaning that it does not change the encoded amino acid sequence of the POLE2 protein. This variant is present in population databases (rs765946566, gnomAD 0.005%). This variant has not been reported in the literature in individuals affected with POLE2-related conditions. Algorithms developed to predict the effect of sequence changes on RNA splicing suggest that this variant may disrupt the consensus splice site. In summary, the available evidence is currently insufficient to determine the role of this variant in disease. Therefore, it has been classified as a Variant of Uncertain Significance.

NM_002692.4(POLE2):c.1035G>A (p.Leu345=)

Gene: POLE2 (DNA polymerase epsilon 2, accessory subunit; minus strand). Cytogenetic location: 14q21.3.
Variant type: single nucleotide variant.
Coding change: c.1035G>A on transcript NM_002692.4 (MANE Select); coding-DNA position 1035, G replaced by A.
Protein change: p.Leu345=; no amino-acid change (leucine 345 retained).
Molecular consequence: synonymous variant.
Genome position (GRCh38, 1-based): chr14:49,654,822, C>T on the plus strand (G>A on the coding strand, the complement: POLE2 is on the minus strand). VCF-style: chr14-49654822-C-T. GRCh37 (hg19) VCF-style: chr14-50121540-C-T.
Other names: c.957G>A, p.Leu319= (NM_001197330.2); c.1035G>A, p.Leu345= (NM_001197331.3, NM_001348384.2); c.804G>A, p.Leu268= (NM_001348385.2).
Identifiers: ClinVar variation 4769056 (VCV004769056.1).